The following is an entry in ClinVar:

ClinVar aggregate classification (germline): Uncertain significance (1 of 4 stars; one submission).

Conditions:
Hereditary cancer-predisposing syndrome. Also called: Neoplastic Syndromes, Hereditary; Tumor predisposition; Hereditary neoplastic syndrome; Hereditary Cancer Syndrome. Identifiers: Orphanet 140162, MedGen C0027672, MeSH D009386, MONDO:0015356.

Submission:

Ambry Genetics
Classification: Uncertain significance for Hereditary cancer-predisposing syndrome. Last evaluated: 2024-04-19. Review status: criteria provided, single submitter. Criteria: Ambry Variant Classification Scheme 2023. Collection method: clinical testing. Allele origin: germline.
Comment: The p.A44T variant (also known as c.130G>A), located in coding exon 1 of the PTCH1 gene, results from a G to A substitution at nucleotide position 130. The alanine at codon 44 is replaced by threonine, an amino acid with similar properties. This amino acid position is conserved. In addition, this alteration is predicted to be tolerated by in silico analysis. Based on the available evidence, the clinical significance of this variant remains unclear.

NM_000264.5(PTCH1):c.130G>A (p.Ala44Thr)

Genes: PTCH1 (patched 1; minus strand), LOC130002133 (ATAC-STARR-seq lymphoblastoid silent region 20071; plus strand). Cytogenetic location: 9q22.32.
Variant type: single nucleotide variant.
Coding change: c.130G>A on transcript NM_000264.5 (MANE Select); coding-DNA position 130, G replaced by A.
Protein change: p.Ala44Thr; replaces alanine 44 with threonine.
Molecular consequence: missense variant. On other transcripts: non-coding transcript variant (1), intron variant (3).
Genome position (GRCh38, 1-based): chr9:95,508,232, C>T on the plus strand (G>A on the coding strand, the complement: PTCH1 is on the minus strand). VCF-style: chr9-95508232-C-T. GRCh37 (hg19) VCF-style: chr9-98270514-C-T.
Other names: c.130G>A, p.Ala44Thr (NM_001354918.2); c.199-1633G>A (NM_001083603.3); c.4-1633G>A (NM_001083602.3, NM_001354919.2); short protein forms A44T.
Identifiers: ClinVar variation 3311166 (VCV003311166.1).
Genomic context (GRCh38, chr9:95,508,232, plus strand): 5'-GCTCCAGAGCGAAGGCGGCGTCGCAGTAGCTGGGCCGGTGCAGATAGTCCCGGTCCGGCG[C>T]GGCAGCACGGCGCAGCCCCCCCGTCCGTCTGCGCCTCCCGCCTCCAGCCGGCCGTCCCGG-3'
Protein context (NP_000255.2, residues 34-54): RRTGGLRRAA[Ala44Thr]PDRDYLHRPS